The following is an entry in ClinVar:

NM_005902.4(SMAD3):c.203C>T (p.Pro68Leu)

Gene: SMAD3 (SMAD family member 3; plus strand). Cytogenetic location: 15q22.33.
Variant type: single nucleotide variant.
Coding change: c.203C>T on transcript NM_005902.4 (MANE Select); coding-DNA position 203, C replaced by T.
Protein change: p.Pro68Leu; replaces proline 68 with leucine.
Molecular consequence: missense variant.
Genome position (GRCh38, 1-based): chr15:67,066,357, C>T. VCF-style: chr15-67066357-C-T. GRCh37 (hg19) VCF-style: chr15-67358695-C-T.
Other names: p.Pro68Leu; c.203C>T, p.Pro68Leu (NM_001407011.1, NM_001407012.1, NM_001407013.1); short protein forms P68L.
Identifiers: ClinVar variation 2008535 (VCV002008535.5), dbSNP rs2505000205, ClinGen allele CA393203121.

ClinVar aggregate classification (germline): Uncertain significance. Review status: criteria provided, multiple submitters, no conflicts (2 of 4 stars). 2 submissions from 2 submitters: Uncertain significance (2). Last evaluated 2023-04-20.

Conditions:
Familial thoracic aortic aneurysm and aortic dissection (TAAD). Also called: Thoracic aortic aneurysms and dissections. Identifiers: Orphanet 91387, MedGen C4707243, MONDO:0019625.

Submissions (2):

Mayo Clinic Laboratories, Mayo Clinic
Classification: Uncertain significance. Last evaluated: 2023-04-20. Review status: criteria provided, single submitter. Criteria: ACMG Guidelines, 2015. Collection method: clinical testing. Allele origin: germline. Observed: 1 variant allele.
Comment: PP2, PP3, PM2_supporting

Labcorp Genetics (formerly Invitae), Labcorp
Classification: Uncertain significance for Familial thoracic aortic aneurysm and aortic dissection. Last evaluated: 2022-06-19. Review status: criteria provided, single submitter. Criteria: Invitae Variant Classification Sherloc (09022015). Collection method: clinical testing. Allele origin: germline.
Comment: In summary, the available evidence is currently insufficient to determine the role of this variant in disease. Therefore, it has been classified as a Variant of Uncertain Significance. Algorithms developed to predict the effect of missense changes on protein structure and function are either unavailable or do not agree on the potential impact of this missense change (SIFT: "Not Available"; PolyPhen-2: "Possibly Damaging"; Align-GVGD: "Not Available"). This variant has not been reported in the literature in individuals affected with SMAD3-related conditions. This variant is not present in population databases (gnomAD no frequency). This sequence change replaces proline, which is neutral and non-polar, with leucine, which is neutral and non-polar, at codon 68 of the SMAD3 protein (p.Pro68Leu).